The following is an entry in ClinVar:

NC_000019.9:g.(?_3976552)_(3985378_?)del

Gene: EEF2 (eukaryotic translation elongation factor 2; minus strand). Cytogenetic location: 19p13.3.
Variant type: Deletion.
Identifiers: ClinVar variation 3242665 (VCV003242665.1).

ClinVar aggregate classification (germline): Uncertain significance (1 of 4 stars; one submission).

Submission:

Labcorp Genetics (formerly Invitae), Labcorp
Classification: Uncertain significance. Last evaluated: 2023-07-28. Review status: criteria provided, single submitter. Criteria: Invitae Variant Classification Sherloc (09022015). Collection method: clinical testing. Allele origin: unknown.
Comment: In summary, the available evidence is currently insufficient to determine the role of this variant in disease. Therefore, it has been classified as a Variant of Uncertain Significance. This variant has not been reported in the literature in individuals affected with EEF2-related conditions. A gross deletion of the genomic region encompassing the full coding sequence of the EEF2 gene has been identified. The current clinical and genetic evidence is not sufficient to establish whether loss-of-function variants in EEF2 cause disease. The boundaries of this event are unknown as they extend beyond the assayed region for this gene and therefore may encompass additional genes.